The following is an entry in ClinVar:

NM_001276270.2(MBD4):c.246C>A (p.Cys82Ter)

Gene: MBD4 (methyl-CpG binding domain 4, DNA glycosylase; minus strand). Cytogenetic location: 3q21.3.
Variant type: single nucleotide variant.
Coding change: c.246C>A on transcript NM_001276270.2 (MANE Select); coding-DNA position 246, C replaced by A.
Protein change: p.Cys82Ter; replaces cysteine 82 with a stop codon.
Molecular consequence: nonsense.
Genome position (GRCh38, 1-based): chr3:129,437,809, G>T on the plus strand (C>A on the coding strand, the complement: MBD4 is on the minus strand). VCF-style: chr3-129437809-G-T. GRCh37 (hg19) VCF-style: chr3-129156652-G-T.
Other names: c.246C>A, p.Cys82Ter (NM_001276271.2, NM_001276272.2, NM_001276273.2 and 1 more transcripts); short protein forms C82*.
Identifiers: ClinVar variation 3654552 (VCV003654552.3).

ClinVar aggregate classification (germline): Pathogenic. Review status: criteria provided, multiple submitters, no conflicts (2 of 4 stars). 2 submissions from 2 submitters: Pathogenic (2). Last evaluated 2025-02-26.

Conditions:
Inborn genetic diseases. Identifiers: MedGen C0950123, MeSH D030342.

Submissions (2):

Ambry Genetics
Classification: Pathogenic for Inborn genetic diseases. Last evaluated: 2025-02-26. Review status: criteria provided, single submitter. Criteria: Ambry Variant Classification Scheme 2023. Collection method: clinical testing. Allele origin: germline.
Comment: The p.C82* pathogenic mutation (also known as c.246C>A), located in coding exon 2 of the MBD4 gene, results from a C to A substitution at nucleotide position 246. This changes the amino acid from a cysteine to a stop codon within coding exon 2. This alteration is expected to result in loss of function by premature protein truncation or nonsense-mediated mRNA decay. As such, this alteration is interpreted as a disease-causing mutation.

Labcorp Genetics (formerly Invitae), Labcorp
Classification: Pathogenic. Last evaluated: 2024-10-06. Review status: criteria provided, single submitter. Criteria: Invitae Variant Classification Sherloc (09022015). Collection method: clinical testing. Allele origin: germline.
Comment: This sequence change creates a premature translational stop signal (p.Cys82*) in the MBD4 gene. It is expected to result in an absent or disrupted protein product. Loss-of-function variants in MBD4 are known to be pathogenic (PMID: 30049810, 35460607). This variant is present in population databases (rs754836764, gnomAD 0.003%). This variant has not been reported in the literature in individuals affected with MBD4-related conditions. Algorithms developed to predict the effect of sequence changes on RNA splicing suggest that this variant may disrupt the consensus splice site. For these reasons, this variant has been classified as Pathogenic.

Literature cited by the submitters: PubMed 30049810 (cited by Labcorp Genetics (formerly Invitae), Labcorp); PubMed 35460607 (cited by Labcorp Genetics (formerly Invitae), Labcorp).